The following is an entry in ClinVar:

NM_172240.3(POC1B):c.810+2T>G

Genes: POC1B (POC1 centriolar protein B; minus strand), POC1B-DUSP6 (POC1B-DUSP6 readthrough; minus strand). Cytogenetic location: 12q21.33.
Variant type: single nucleotide variant.
Coding change: c.810+2T>G on transcript NM_172240.3 (MANE Select); the canonical splice donor site of the intron after coding-DNA position 810, T replaced by G.
Molecular consequence: splice donor variant.
Genome position (GRCh38, 1-based): chr12:89,470,359, A>C on the plus strand (T>G on the coding strand, the complement: POC1B is on the minus strand). VCF-style: chr12-89470359-A-C. GRCh37 (hg19) VCF-style: chr12-89864136-A-C.
Other names: c.684+2T>G (NM_001199777.2).
Identifiers: ClinVar variation 1967719 (VCV001967719.5), dbSNP rs754544190, ClinGen allele CA6714401.

ClinVar aggregate classification (germline): Pathogenic (1 of 4 stars; one submission).

Allele frequency attached by ClinVar (database versions not stated): ExAC 0.00001.

Submission:

Labcorp Genetics (formerly Invitae), Labcorp
Classification: Pathogenic. Last evaluated: 2022-10-28. Review status: criteria provided, single submitter. Criteria: Invitae Variant Classification Sherloc (09022015). Collection method: clinical testing. Allele origin: germline.
Comment: For these reasons, this variant has been classified as Pathogenic. Studies have shown that disruption of this splice site results in skipping of exon 6 and skipping of exon 6-7 and introduces a premature termination codon (PMID: 25018096). The resulting mRNA is expected to undergo nonsense-mediated decay. Disruption of this splice site has been observed in individual(s) with POC1B-related conditions (PMID: 25018096, 34065499). In at least one individual the data is consistent with being in trans (on the opposite chromosome) from a pathogenic variant. This variant is present in population databases (rs754544190, gnomAD 0.004%). This sequence change affects a donor splice site in intron 7 of the POC1B gene. RNA analysis indicates that disruption of this splice site induces altered splicing and may result in an absent or disrupted protein product.

Literature cited by the submitters: PubMed 25018096; PubMed 34065499.